The following is an entry in ClinVar:

ClinVar aggregate classification (germline): Likely benign. Review status: criteria provided, multiple submitters, no conflicts (2 of 4 stars). 3 submissions from 3 submitters: Likely benign (3). Last evaluated 2025-08-02.

Conditions:
Growth hormone insensitivity with immune dysregulation 1, autosomal recessive. Also called: GROWTH HORMONE INSENSITIVITY DUE TO POSTRECEPTOR DEFECT; LARON SYNDROME DUE TO POSTRECEPTOR DEFECT; GROWTH HORMONE INSENSITIVITY SYNDROME WITH IMMUNE DYSREGULATION 1, AUTOSOMAL RECESSIVE; Laron syndrome with immunodeficiency. Identifiers: Orphanet 220465, MedGen C5435698, MONDO:0100211, OMIM 245590.

Allele frequency attached by ClinVar (database versions not stated): gnomAD exomes 0.00005 and 0.00020; TOPMed 0.00034; gnomAD 0.00037 and 0.00041; ExAC 0.00107; 1000 Genomes Project 30x 0.00187.
gnomAD v4.1: 137 of 1,477,366 alleles (0.0093%); highest among the groups gnomAD compares: African/African-American, 0.16%; no homozygotes.

Submissions (3):

Labcorp Genetics (formerly Invitae), Labcorp
Classification: Likely benign for Growth hormone insensitivity with immune dysregulation 1, autosomal recessive. Last evaluated: 2025-08-02. Review status: criteria provided, single submitter. Criteria: Invitae Variant Classification Sherloc (09022015). Collection method: clinical testing. Allele origin: germline.

CeGaT Center for Human Genetics Tuebingen
Classification: Likely benign. Last evaluated: 2022-05-01. Review status: criteria provided, single submitter. Criteria: CeGaT Center For Human Genetics Tuebingen Variant Classification Criteria Version 2. Collection method: clinical testing. Allele origin: germline. Affected: yes. Observed: 1 variant allele.
Comment: STAT5B: BP4, BP7

Breakthrough Genomics
Classification: Likely benign. Review status: criteria provided, single submitter. Criteria: ACMG Guidelines, 2015. Collection method: not provided. Allele origin: germline. Inheritance: Autosomal recessive inheritance. Affected: yes.

NM_012448.4(STAT5B):c.795C>T (p.Gly265=)

Gene: STAT5B (signal transducer and activator of transcription 5B; minus strand). Cytogenetic location: 17q21.2.
Variant type: single nucleotide variant.
Coding change: c.795C>T on transcript NM_012448.4 (MANE Select); coding-DNA position 795, C replaced by T.
Protein change: p.Gly265=; no amino-acid change (glycine 265 retained).
Molecular consequence: synonymous variant.
Genome position (GRCh38, 1-based): chr17:42,219,350, G>A on the plus strand (C>T on the coding strand, the complement: STAT5B is on the minus strand). VCF-style: chr17-42219350-G-A. GRCh37 (hg19) VCF-style: chr17-40371368-G-A.
Identifiers: ClinVar variation 720060 (VCV000720060.36), dbSNP rs766796346, ClinGen allele CA8574200.